The following is an entry in ClinVar:

NM_001080453.3(INTS1):c.6262C>T (p.Leu2088=)

Gene: INTS1 (integrator complex subunit 1; minus strand). Cytogenetic location: 7p22.3.
Variant type: single nucleotide variant.
Coding change: c.6262C>T on transcript NM_001080453.3 (MANE Select); coding-DNA position 6262, C replaced by T.
Protein change: p.Leu2088=; no amino-acid change (leucine 2088 retained).
Molecular consequence: synonymous variant.
Genome position (GRCh38, 1-based): chr7:1,471,218, G>A on the plus strand (C>T on the coding strand, the complement: INTS1 is on the minus strand). VCF-style: chr7-1471218-G-A. GRCh37 (hg19) VCF-style: chr7-1510854-G-A.
Other names: c.2779C>T, p.Leu927= (NM_015674.1).
Identifiers: ClinVar variation 3234163 (VCV003234163.20), dbSNP rs376165628, ClinGen allele CA4118013.

ClinVar aggregate classification (germline): Likely benign (1 of 4 stars; one submission).

Allele frequency attached by ClinVar (database versions not stated): TOPMed 0.00059; ESP Exome Variant Server 0.00064; gnomAD 0.00068; gnomAD exomes 0.00075; ExAC 0.00133.
gnomAD v4.1: 1,157 of 1,577,004 alleles (0.073%); highest among the groups gnomAD compares: Non-Finnish European, 0.095%; no homozygotes.

Submission:

CeGaT Center for Human Genetics Tuebingen
Classification: Likely benign. Last evaluated: 2025-04-01. Review status: criteria provided, single submitter. Criteria: CeGaT Center For Human Genetics Tuebingen Variant Classification Criteria Version 2. Collection method: clinical testing. Allele origin: germline. Affected: yes. Observed: 2 variant alleles.
Comment: INTS1: BP4, BP7